The following is an entry in ClinVar:

NM_000026.4(ADSL):c.1368+4A>C

Gene: ADSL (adenylosuccinate lyase; plus strand). Cytogenetic location: 22q13.1.
Variant type: single nucleotide variant.
Coding change: c.1368+4A>C on transcript NM_000026.4 (MANE Select); 4 bases into the intron after coding-DNA position 1368, A replaced by C.
Molecular consequence: intron variant.
Genome position (GRCh38, 1-based): chr22:40,365,060, A>C. VCF-style: chr22-40365060-A-C. GRCh37 (hg19) VCF-style: chr22-40761064-A-C.
Other names: c.1368+4A>C (NM_001363840.3); c.1191+695A>C (NM_001123378.3); c.1176+4A>C (NM_001317923.2).
Identifiers: ClinVar variation 1482386 (VCV001482386.6), dbSNP rs2146674336, ClinGen allele CA2573158438.
Genomic context (GRCh38, chr22:40,365,060, plus strand): 5'-TCCCAGTTGGATCATTTACTGGATCCTTCTTCTTTCACTGGTCGTGCCTCCCAGCAGGTA[A>C]GCTTCCAAGAAGCCTCTTTTCTGCTGGGCTGCAGAACCTGGGGTACTCTCTTTGATGTTT-3'

ClinVar aggregate classification (germline): Uncertain significance (1 of 4 stars; one submission).

Conditions:
Adenylosuccinate lyase deficiency (ADSLD). Also called: ADSL DEFICIENCY. Identifiers: Orphanet 46, MedGen C0268126, MONDO:0007068, OMIM 103050.

Submission:

Labcorp Genetics (formerly Invitae), Labcorp
Classification: Uncertain significance for Adenylosuccinate lyase deficiency. Last evaluated: 2022-10-17. Review status: criteria provided, single submitter. Criteria: Invitae Variant Classification Sherloc (09022015). Collection method: clinical testing. Allele origin: germline.
Comment: In summary, the available evidence is currently insufficient to determine the role of this variant in disease. Therefore, it has been classified as a Variant of Uncertain Significance. Variants that disrupt the consensus splice site are a relatively common cause of aberrant splicing (PMID: 17576681, 9536098). Algorithms developed to predict the effect of sequence changes on RNA splicing suggest that this variant is not likely to affect RNA splicing. ClinVar contains an entry for this variant (Variation ID: 1482386). This variant has not been reported in the literature in individuals affected with ADSL-related conditions. This variant is not present in population databases (gnomAD no frequency). This sequence change falls in intron 12 of the ADSL gene. It does not directly change the encoded amino acid sequence of the ADSL protein. It affects a nucleotide within the consensus splice site.

Literature cited by the submitters: PubMed 17576681; PubMed 9536098.